The following is an entry in ClinVar:

NM_015915.5(ATL1):c.132T>A (p.His44Gln)

Gene: ATL1 (atlastin GTPase 1; plus strand). Cytogenetic location: 14q22.1.
Variant type: single nucleotide variant.
Coding change: c.132T>A on transcript NM_015915.5 (MANE Select); coding-DNA position 132, T replaced by A.
Protein change: p.His44Gln; replaces histidine 44 with glutamine.
Molecular consequence: missense variant.
Genome position (GRCh38, 1-based): chr14:50,587,928, T>A. VCF-style: chr14-50587928-T-A. GRCh37 (hg19) VCF-style: chr14-51054646-T-A.
Other names: c.132T>A, p.His44Gln (NM_001127713.1, NM_181598.4); short protein forms H44Q.
Identifiers: ClinVar variation 1770120 (VCV001770120.2), dbSNP rs2504484595, ClinGen allele CA389665507.

ClinVar aggregate classification (germline): Uncertain significance (1 of 4 stars; one submission).

Conditions:
Inborn genetic diseases. Identifiers: MedGen C0950123, MeSH D030342.

Submission:

Ambry Genetics
Classification: Uncertain significance for Inborn genetic diseases. Last evaluated: 2021-09-30. Review status: criteria provided, single submitter. Criteria: Ambry Variant Classification Scheme 2023. Collection method: clinical testing. Allele origin: germline.
Comment: The p.H44Q variant (also known as c.132T>A), located in coding exon 2 of the ATL1 gene, results from a T to A substitution at nucleotide position 132. The histidine at codon 44 is replaced by glutamine, an amino acid with highly similar properties. This amino acid position is conserved. In addition, the in silico prediction for this alteration is inconclusive. Since supporting evidence is limited at this time, the clinical significance of this alteration remains unclear.